The following is an entry in ClinVar:

ClinVar aggregate classification (germline): Uncertain significance. Review status: criteria provided, multiple submitters, no conflicts (2 of 4 stars). 5 submissions from 5 submitters: Uncertain significance (5). Last evaluated 2026-06-30.

Conditions:
Polycystic kidney disease, adult type (PKD1). Also called: POLYCYSTIC KIDNEY DISEASE 1 WITH OR WITHOUT POLYCYSTIC LIVER DISEASE; Polycystic Kidney Disease 1, Autosomal Dominant; Polycystic kidney disease 1; Polycystic kidney disease 1, severe; POLYCYSTIC KIDNEY DISEASE, ADULT, TYPE I; Polycystic Kidney, Autosomal Dominant. Identifiers: MedGen C3149841, MONDO:0008263, OMIM 173900.

Submissions (5):

Women's Health and Genetics/Laboratory Corporation of America, LabCorp
Classification: Uncertain significance. Last evaluated: 2026-06-30. Review status: criteria provided, single submitter. Criteria: LabCorp Variant Classification Summary - May 2015. Collection method: clinical testing. Allele origin: germline.
Comment: Variant summary: PKD1 c.11340_11345dupTTACGA (p.Tyr3781_Asp3782dup) results in an in-frame duplication that is predicted to duplicate two amino acids into the encoded protein. The variant was absent in 249620 control chromosomes. The available data on variant occurrences in the general population are insufficient to allow any conclusion about variant significance. c.11340_11345dupTTACGA has been observed in individual(s) affected with PKD1-related conditions, without strong evidence for causality (e.g. Heyer_2016, Rosetti_2012). These report(s) do not provide unequivocal conclusions about association of the variant with disease. To our knowledge, no experimental evidence demonstrating an impact on protein function has been reported. The following publications have been ascertained in the context of this evaluation (PMID: 26823553, 22383692). ClinVar contains an entry for this variant (Variation ID: 1207467). Based on the evidence outlined above, the variant was classified as uncertain significance.

Department of Pathology and Laboratory Medicine, Sinai Health System
Classification: Uncertain significance for Polycystic kidney disease, adult type. Last evaluated: 2024-07-23. Review status: criteria provided, single submitter. Criteria: ACMG Guidelines, 2015. Collection method: clinical testing. Allele origin: germline.

GeneDx
Classification: Uncertain significance. Last evaluated: 2024-06-03. Review status: criteria provided, single submitter. Criteria: GeneDx Variant Classification Process June 2021. Collection method: clinical testing. Allele origin: germline. Affected: yes.
Comment: In-frame duplication of 2 amino acids in a non-repeat region; Not observed at significant frequency in large population cohorts (gnomAD); This variant is associated with the following publications: (PMID: 22383692)

Blueprint Genetics
Classification: Uncertain significance. Last evaluated: 2022-04-19. Review status: criteria provided, single submitter. Criteria: ACMG Guidelines, 2015. Collection method: clinical testing. Allele origin: germline.

Fulgent Genetics
Classification: Uncertain significance for Polycystic kidney disease, adult type. Last evaluated: 2021-12-29. Review status: criteria provided, single submitter. Criteria: ACMG Guidelines, 2015. Collection method: clinical testing. Allele origin: unknown.

Literature cited by the submitters: PubMed 22383692 (cited by Women's Health and Genetics/Laboratory Corporation of America, LabCorp); PubMed 26823553 (cited by Women's Health and Genetics/Laboratory Corporation of America, LabCorp).

NM_001009944.3(PKD1):c.11340_11345dup (p.Tyr3781_Asp3782dup)

Genes: PKD1 (polycystin 1, transient receptor potential channel interacting; minus strand), PKD1-AS1 (PKD1 antisense RNA 1; plus strand). Cytogenetic location: 16p13.3.
Variant type: Duplication.
Coding change: c.11340_11345dup on transcript NM_001009944.3 (MANE Select); coding-DNA positions 11340 to 11345, 6 bases duplicated (TTACGA; older notation c.11340_11345dupTTACGA).
Protein change: p.Tyr3781_Asp3782dup.
Molecular consequence: inframe insertion.
Genome position (GRCh38, 1-based): chr16:2,092,113-2,092,118, TCGTAA duplicated on the plus strand (TTACGA on the coding strand, the reverse complement: PKD1 is on the minus strand); duplicating any 6 consecutive bases within chr16:2,092,113-2,092,121 gives the same sequence; the c. name uses the placement nearest the transcript's 3' end. VCF-style (leftmost placement, unchanged base first): chr16-2092112-G-GTCGTAA. GRCh37 (hg19) VCF-style: chr16-2142113-G-GTCGTAA.
Other names: c.11340_11345dup (NM_001009944.2); c.11337_11342dup, p.Tyr3780_Asp3781dup (NM_000296.4); c.11340_11345dupTTACGA (NM_001009944.3).
Identifiers: ClinVar variation 1207467 (VCV001207467.8), dbSNP rs2091618795, ClinGen allele CA2499223362.
Genomic context (GRCh38, chr16:2,092,112, plus strand): 5'-CAGATCCGGCGCTGAATAGGCCCACGTCCCCGAGCCATTGTGAGGACTCTCCCAGCCAAC[G>GTCGTAA]TCGTAATCGCTGGTGCTGAAGCCTCCTGCGGCCGAGCACGTGTGGACCCTGGGGCCGGGA-3'